The following is an entry in ClinVar:

NM_001267550.2(TTN):c.93485A>C (p.Glu31162Ala)

Genes: TTN (titin; minus strand), TTN-AS1 (TTN antisense RNA 1; plus strand). Cytogenetic location: 2q31.2.
Variant type: single nucleotide variant.
Coding change: c.93485A>C on transcript NM_001267550.2 (MANE Select); coding-DNA position 93485, A replaced by C.
Protein change: p.Glu31162Ala; replaces glutamic acid 31162 with alanine.
Molecular consequence: missense variant.
Genome position (GRCh38, 1-based): chr2:178,548,141, T>G on the plus strand (A>C on the coding strand, the complement: TTN is on the minus strand). VCF-style: chr2-178548141-T-G. GRCh37 (hg19) VCF-style: chr2-179412868-T-G.
Other names: c.88562A>C, p.Glu29521Ala (NM_001256850.1); c.66290A>C, p.Glu22097Ala (NM_003319.4); c.85781A>C, p.Glu28594Ala (NM_133378.4); c.66665A>C, p.Glu22222Ala (NM_133432.3); c.66866A>C, p.Glu22289Ala (NM_133437.4); short protein forms E22097A, E31162A, E22222A, E29521A, E22289A, E28594A.
Identifiers: ClinVar variation 518642 (VCV000518642.5), dbSNP rs1553529185, ClinGen allele CA349484911.

ClinVar aggregate classification (germline): Uncertain significance (1 of 4 stars; one submission).

Conditions:
Cardiovascular phenotype. Identifiers: MedGen CN230736.

Allele frequency attached by ClinVar (database versions not stated): gnomAD exomes below 0.00001.
gnomAD v4.1: 2 of 1,613,850 alleles (0.00012%); no homozygotes.

Submission:

Ambry Genetics
Classification: Uncertain significance for Cardiovascular phenotype. Last evaluated: 2017-03-22. Review status: criteria provided, single submitter. Criteria: Ambry Variant Classification Scheme 2023. Collection method: clinical testing. Allele origin: germline.
Comment: The p.E22097A variant (also known as c.66290A>C), located in coding exon 166 of the TTN gene, results from an A to C substitution at nucleotide position 66290. The glutamic acid at codon 22097 is replaced by alanine, an amino acid with dissimilar properties. This amino acid position is not well conserved in available vertebrate species, and alanine is the reference amino acid in other vertebrate species. In addition, this alteration is predicted to be tolerated by in silico analysis. Since supporting evidence is limited at this time, the clinical significance of this alteration remains unclear.